The following is an entry in ClinVar:

NM_001365902.3(NFIX):c.179dup (p.Leu61fs)

Gene: NFIX (nuclear factor I X; plus strand). Cytogenetic location: 19p13.13.
Variant type: Duplication.
Coding change: c.179dup on transcript NM_001365902.3 (MANE Select); coding-DNA position 179, one base duplicated (T; older notation c.179dupT).
Protein change: p.Leu61fs; shifts the reading frame from leucine 61.
Molecular consequence: frameshift variant.
Genome position (GRCh38, 1-based): chr19:13,025,172, T duplicated. VCF-style (leftmost placement, unchanged base first): chr19-13025171-C-CT. GRCh37 (hg19) VCF-style: chr19-13135985-C-CT.
Other names: c.203dup, p.Leu69fs (NM_001271043.2); c.155dup, p.Leu53fs (NM_001271044.3, NM_001378404.1); c.179dup, p.Leu61fs (NM_001365982.2, NM_002501.4); c.38dup, p.Leu14fs (NM_001365983.2); c.176dup, p.Leu60fs (NM_001365984.2, NM_001365985.2); c.227dup, p.Leu77fs (NM_001378405.1); c.203dupT (NM_001271043.2); short protein forms L61fs, L53fs, L14fs, L77fs, L60fs, L69fs.
Identifiers: ClinVar variation 817661 (VCV000817661.1), dbSNP rs1599737896, ClinGen allele CA915952539.
Genomic context (GRCh38, chr19:13,025,171, plus strand): 5'-TACTTCAAGAAGCATGAAAAGCGGATGTCGAAGGACGAGGAGCGGGCGGTGAAGGACGAG[C>CT]TGCTGGGCGAGAAGCCCGAGATCAAGCAGAAGTGGGCATCCCGGCTGCTGGCCAAGCTGC-3'

ClinVar aggregate classification (germline): Pathogenic (1 of 4 stars; one submission).

Submission:

GeneDx
Classification: Pathogenic. Last evaluated: 2018-03-13. Review status: criteria provided, single submitter. Criteria: GeneDx Variant Classification (06012015). Collection method: clinical testing. Allele origin: germline. Affected: yes.
Comment: The c.203dupT pathogenic variant in the NFIX gene causes a frameshift starting with codon Leucine 69, changes this amino acid to an Alanine residue and creates a premature Stop codon at position 58 of the new reading frame, denoted p.Leu69AlafsX58. This pathogenic variant is predicted to cause loss of normal protein function either through protein truncation or nonsense-mediated mRNA decay. The c.203dupT variant is not observed in large population cohorts (Lek et al., 2016).